The following is an entry in ClinVar:

ClinVar aggregate classification (germline): Uncertain significance. Review status: criteria provided, multiple submitters, no conflicts (2 of 4 stars). 3 submissions from 3 submitters: Uncertain significance (2). 1 of the submissions does not count toward it. Last evaluated 2025-11-21.

Conditions:
Phosphate transport defect (GSD1C). Also called: GSD Ic; GLYCOGEN STORAGE DISEASE Ic. Identifiers: Orphanet 364, Orphanet 79259, MedGen C0342749, OMIM 232240.
Glucose-6-phosphate transport defect (GSD1B). Also called: Glycogen Storage Disease Type Ib; GSD Ib. Identifiers: Orphanet 364, Orphanet 79259, MedGen C0268146, MONDO:0009288, OMIM 232220.
Congenital disorder of glycosylation, type IIw. Identifiers: MedGen C5561986, MONDO:0030437, OMIM 619525.

Submissions (3):

Labcorp Genetics (formerly Invitae), Labcorp
Classification: Uncertain significance for Glucose-6-phosphate transport defect. Last evaluated: 2025-11-21. Review status: criteria provided, single submitter. Criteria: Invitae Variant Classification Sherloc (09022015). Collection method: clinical testing. Allele origin: germline.
Comment: This variant, c.19_24dup, results in the insertion of 2 amino acid(s) of the SLC37A4 protein (p.Gly7_Tyr8dup), but otherwise preserves the integrity of the reading frame. This variant is present in population databases (rs782663171, gnomAD 0.03%). This variant has not been reported in the literature in individuals affected with SLC37A4-related conditions. ClinVar contains an entry for this variant (Variation ID: 554910). Experimental studies and prediction algorithms are not available or were not evaluated, and the functional significance of this variant is currently unknown. In summary, the available evidence is currently insufficient to determine the role of this variant in disease. Therefore, it has been classified as a Variant of Uncertain Significance.

Fulgent Genetics
Classification: Uncertain significance for Glucose-6-phosphate transport defect; Phosphate transport defect; Congenital disorder of glycosylation, type IIw. Last evaluated: 2024-01-06. Review status: criteria provided, single submitter. Criteria: ACMG Guidelines, 2015. Collection method: clinical testing. Allele origin: germline.

Counsyl
Classification: Uncertain significance for Glucose-6-phosphate transport defect. Last evaluated: 2017-11-08. Review status: no assertion criteria provided. Collection method: clinical testing. Allele origin: unknown. Not counted in ClinVar's aggregate classification.

NM_001164277.2(SLC37A4):c.13GGCTAT[3] (p.5GY[3])

Gene: SLC37A4 (solute carrier family 37 member 4; minus strand). Cytogenetic location: 11q23.3.
Variant type: Microsatellite.
Coding change: c.13GGCTAT[3] on transcript NM_001164277.2 (MANE Select); three copies in a row of the 6-base unit GGCTAT starting at c.13; the reference has two copies in a row; one copy, 6 bases duplicated; also written c.19_24dup.
Protein change: p.5GY[3].
Molecular consequence: inframe insertion. On other transcripts: intron variant (1).
Genome position (GRCh38, 1-based): chr11:119,029,346-119,029,351, ATAGCC duplicated on the plus strand (GGCTAT on the coding strand, the reverse complement: SLC37A4 is on the minus strand); duplicating any 6 consecutive bases within chr11:119,029,346-119,029,357 gives the same sequence; the position shown is the placement nearest the transcript's 3' end. VCF-style (leftmost placement, unchanged base first): chr11-119029345-A-AATAGCC. GRCh37 (hg19) VCF-style: chr11-118900055-A-AATAGCC.
Other names: c.13GGCTAT[3], p.5GY[3] (NM_001164278.2, NM_001164280.2, NM_001467.6); c.-172+35GGCTAT[3] (NM_001164279.2); c.19_24dup (NM_001164277.1).
Identifiers: ClinVar variation 554910 (VCV000554910.6), dbSNP rs782663171, ClinGen allele CA6311931.